The following is an entry in ClinVar:

ClinVar aggregate classification (germline): Benign (1 of 4 stars; one submission).

Conditions:
Familial adenomatous polyposis 1 (FAP1). Also called: FAMILIAL ADENOMATOUS POLYPOSIS 1, ATTENUATED; POLYPOSIS, ADENOMATOUS INTESTINAL. Identifiers: MedGen C2713442, MONDO:0021056, OMIM 175100. Disease mechanism: loss of function.

Submission:

Myriad Genetics, Inc.
Classification: Benign for Familial adenomatous polyposis 1. Last evaluated: 2024-04-04. Review status: criteria provided, single submitter. Criteria: Myriad Autosomal Dominant, Autosomal Recessive and X-Linked Classification Criteria (2023). Collection method: clinical testing. Allele origin: unknown.
Comment: This variant is considered benign. This variant is a silent/synonymous amino acid change and it is not expected to impact splicing.

NM_000038.6(APC):c.6213A>C (p.Ile2071=)

Gene: APC (APC regulator of Wnt signaling pathway; plus strand). Cytogenetic location: 5q22.2.
Variant type: single nucleotide variant.
Coding change: c.6213A>C on transcript NM_000038.6 (MANE Select); coding-DNA position 6213, A replaced by C.
Protein change: p.Ile2071=; no amino-acid change (isoleucine 2071 retained).
Molecular consequence: synonymous variant. On other transcripts: non-coding transcript variant (2).
Genome position (GRCh38, 1-based): chr5:112,841,807, A>C. VCF-style: chr5-112841807-A-C. GRCh37 (hg19) VCF-style: chr5-112177504-A-C.
Other names: c.6213A>C, p.Ile2071= (NM_001127510.3, NM_001354895.2, NM_001407450.1); c.6159A>C, p.Ile2053= (NM_001127511.3); c.6267A>C, p.Ile2089= (NM_001354896.2, NM_001407447.1, NM_001407448.1 and 1 more transcripts); c.6243A>C, p.Ile2081= (NM_001354897.2); c.6138A>C, p.Ile2046= (NM_001354898.2); c.6129A>C, p.Ile2043= (NM_001354899.2); c.6090A>C, p.Ile2030= (NM_001354900.2); c.6036A>C, p.Ile2012= (NM_001354901.2, NM_001407453.1); and 11 more.
Identifiers: ClinVar variation 3254466 (VCV003254466.1), dbSNP rs876660358.